The following is an entry in ClinVar:

NM_017671.5(FERMT1):c.155T>C (p.Ile52Thr)

Gene: FERMT1 (FERM domain containing kindlin 1; minus strand). Cytogenetic location: 20p12.3.
Variant type: single nucleotide variant.
Coding change: c.155T>C on transcript NM_017671.5 (MANE Select); coding-DNA position 155, T replaced by C.
Protein change: p.Ile52Thr; replaces isoleucine 52 with threonine.
Molecular consequence: missense variant.
Genome position (GRCh38, 1-based): chr20:6,116,041, A>G on the plus strand (T>C on the coding strand, the complement: FERMT1 is on the minus strand). VCF-style: chr20-6116041-A-G. GRCh37 (hg19) VCF-style: chr20-6096688-A-G.
Other names: short protein forms I52T.
Identifiers: ClinVar variation 3608406 (VCV003608406.2).

ClinVar aggregate classification (germline): Uncertain significance (1 of 4 stars; one submission).

Submission:

Labcorp Genetics (formerly Invitae), Labcorp
Classification: Uncertain significance. Last evaluated: 2024-12-19. Review status: criteria provided, single submitter. Criteria: Invitae Variant Classification Sherloc (09022015). Collection method: clinical testing. Allele origin: germline.
Comment: This sequence change replaces isoleucine, which is neutral and non-polar, with threonine, which is neutral and polar, at codon 52 of the FERMT1 protein (p.Ile52Thr). This variant is present in population databases (rs771157754, gnomAD 0.003%). This variant has not been reported in the literature in individuals affected with FERMT1-related conditions. Invitae Evidence Modeling of protein sequence and biophysical properties (such as structural, functional, and spatial information, amino acid conservation, physicochemical variation, residue mobility, and thermodynamic stability) indicates that this missense variant is not expected to disrupt FERMT1 protein function with a negative predictive value of 80%. In summary, the available evidence is currently insufficient to determine the role of this variant in disease. Therefore, it has been classified as a Variant of Uncertain Significance.